The following is an entry in ClinVar:

NM_007055.4(POLR3A):c.2485G>A (p.Ala829Thr)

Gene: POLR3A (RNA polymerase III subunit A; minus strand). Cytogenetic location: 10q22.3.
Variant type: single nucleotide variant.
Coding change: c.2485G>A on transcript NM_007055.4 (MANE Select); coding-DNA position 2485, G replaced by A.
Protein change: p.Ala829Thr; replaces alanine 829 with threonine.
Molecular consequence: missense variant.
Genome position (GRCh38, 1-based): chr10:78,000,112, C>T on the plus strand (G>A on the coding strand, the complement: POLR3A is on the minus strand). VCF-style: chr10-78000112-C-T. GRCh37 (hg19) VCF-style: chr10-79759870-C-T.
Other names: short protein forms A829T.
Identifiers: ClinVar variation 2007248 (VCV002007248.2), dbSNP rs2493206659, ClinGen allele CA377335815.
Genomic context (GRCh38, chr10:78,000,112, plus strand): 5'-AGAAAAACTCAGTTGGTGTCAAACCGGAATAAAAGCTATTAGCCACAAAGCCTTTGGCAG[C>T]TGGGAGCTAAAGAGAGGTAGAAAAAAGAAAAATCAAACAAAAAAAGTTCAAGGCCCACGA-3'
Protein context (NP_008986.2, residues 819-839): PHFEKHSKLP[Ala829Thr]AKGFVANSFY

ClinVar aggregate classification (germline): Uncertain significance (1 of 4 stars; one submission).

Allele frequency attached by ClinVar (database versions not stated): gnomAD exomes below 0.00001.
gnomAD v4.1: 3 of 1,614,058 alleles (0.00019%); highest among the groups gnomAD compares: South Asian, 0.0011%; no homozygotes.

Submission:

Labcorp Genetics (formerly Invitae), Labcorp
Classification: Uncertain significance. Last evaluated: 2025-02-10. Review status: criteria provided, single submitter. Criteria: Invitae Variant Classification Sherloc (09022015). Collection method: clinical testing. Allele origin: germline.
Comment: This sequence change replaces alanine, which is neutral and non-polar, with threonine, which is neutral and polar, at codon 829 of the POLR3A protein (p.Ala829Thr). This variant is not present in population databases (gnomAD no frequency). This variant has not been reported in the literature in individuals affected with POLR3A-related conditions. ClinVar contains an entry for this variant (Variation ID: 2007248). Invitae Evidence Modeling of protein sequence and biophysical properties (such as structural, functional, and spatial information, amino acid conservation, physicochemical variation, residue mobility, and thermodynamic stability) indicates that this missense variant is not expected to disrupt POLR3A protein function with a negative predictive value of 80%. In summary, the available evidence is currently insufficient to determine the role of this variant in disease. Therefore, it has been classified as a Variant of Uncertain Significance.